The following is an entry in ClinVar:

ClinVar aggregate classification (germline): Uncertain significance (1 of 4 stars; one submission).

Conditions:
Hereditary cancer-predisposing syndrome. Also called: Hereditary neoplastic syndrome; Neoplastic Syndromes, Hereditary; Tumor predisposition; Hereditary Cancer Syndrome. Identifiers: Orphanet 140162, MedGen C0027672, MeSH D009386, MONDO:0015356.

Submission:

Ambry Genetics
Classification: Uncertain significance for Hereditary cancer-predisposing syndrome. Last evaluated: 2025-08-28. Review status: criteria provided, single submitter. Criteria: Ambry Variant Classification Scheme 2023. Collection method: clinical testing. Allele origin: germline.
Comment: The p.T1230I variant (also known as c.3689C>T), located in coding exon 22 of the PTCH1 gene, results from a C to T substitution at nucleotide position 3689. The threonine at codon 1230 is replaced by isoleucine, an amino acid with similar properties. This amino acid position is highly conserved in available vertebrate species. In addition, this alteration is predicted to be deleterious by in silico analysis. Based on the available evidence, the clinical significance of this variant remains unclear.

NM_000264.5(PTCH1):c.3689C>T (p.Thr1230Ile)

Gene: PTCH1 (patched 1; minus strand). Cytogenetic location: 9q22.32.
Variant type: single nucleotide variant.
Coding change: c.3689C>T on transcript NM_000264.5 (MANE Select); coding-DNA position 3689, C replaced by T.
Protein change: p.Thr1230Ile; replaces threonine 1230 with isoleucine.
Molecular consequence: missense variant. On other transcripts: non-coding transcript variant (1).
Genome position (GRCh38, 1-based): chr9:95,449,184, G>A on the plus strand (C>T on the coding strand, the complement: PTCH1 is on the minus strand). VCF-style: chr9-95449184-G-A. GRCh37 (hg19) VCF-style: chr9-98211466-G-A.
Other names: c.3491C>T, p.Thr1164Ile (NM_001083602.3); c.3686C>T, p.Thr1229Ile (NM_001083603.3); c.3236C>T, p.Thr1079Ile (NM_001083604.3, NM_001083605.3, NM_001083606.3 and 1 more transcripts); c.3533C>T, p.Thr1178Ile (NM_001354918.2); short protein forms T1164I, T1178I, T1229I, T1230I, T1079I.
Identifiers: ClinVar variation 4146832 (VCV004146832.1).